The following is an entry in ClinVar:

ClinVar aggregate classification (germline): Uncertain significance. Review status: criteria provided, multiple submitters, no conflicts (2 of 4 stars). 4 submissions from 4 submitters: Uncertain significance (3). 1 of the submissions does not count toward it. Last evaluated 2024-06-29.

Conditions:
Autosomal recessive retinitis pigmentosa. Identifiers: MedGen C0339526.
Inborn genetic diseases. Identifiers: MedGen C0950123, MeSH D030342.

Allele frequency attached by ClinVar (database versions not stated): gnomAD exomes 0.00001 and 0.00004; ExAC 0.00005; TOPMed 0.00013; 1000 Genomes Project 30x 0.00016; gnomAD 0.00017 and 0.00018; 1000 Genomes Project 0.00020.
gnomAD v4.1: 48 of 1,546,896 alleles (0.0031%); highest among the groups gnomAD compares: African/African-American, 0.06%; no homozygotes.

Submissions (4):

Labcorp Genetics (formerly Invitae), Labcorp
Classification: Uncertain significance. Last evaluated: 2024-06-29. Review status: criteria provided, single submitter. Criteria: Invitae Variant Classification Sherloc (09022015). Collection method: clinical testing. Allele origin: germline.
Comment: This sequence change replaces asparagine, which is neutral and polar, with serine, which is neutral and polar, at codon 968 of the EYS protein (p.Asn968Ser). This variant is present in population databases (rs535658960, gnomAD 0.06%). This variant has not been reported in the literature in individuals affected with EYS-related conditions. ClinVar contains an entry for this variant (Variation ID: 968035). Algorithms developed to predict the effect of missense changes on protein structure and function output the following: SIFT: "Not Available"; PolyPhen-2: "Benign"; Align-GVGD: "Not Available". The serine amino acid residue is found in multiple mammalian species, which suggests that this missense change does not adversely affect protein function. Algorithms developed to predict the effect of sequence changes on RNA splicing suggest that this variant may create or strengthen a splice site. In summary, the available evidence is currently insufficient to determine the role of this variant in disease. Therefore, it has been classified as a Variant of Uncertain Significance.

Blueprint Genetics
Classification: Uncertain significance. Last evaluated: 2023-03-09. Review status: criteria provided, single submitter. Criteria: ACMG Guidelines, 2015. Collection method: clinical testing. Allele origin: germline.

Ambry Genetics
Classification: Uncertain significance for Inborn genetic diseases. Last evaluated: 2023-02-22. Review status: criteria provided, single submitter. Criteria: Ambry Variant Classification Scheme 2023. Collection method: clinical testing. Allele origin: germline.

Natera, Inc.
Classification: Uncertain significance for Autosomal recessive retinitis pigmentosa. Last evaluated: 2020-11-16. Review status: no assertion criteria provided. Collection method: clinical testing. Allele origin: germline. Not counted in ClinVar's aggregate classification.

NM_001142800.2(EYS):c.2903A>G (p.Asn968Ser)

Gene: EYS (EGF-like photoreceptor maintenance factor; minus strand). Cytogenetic location: 6q12.
Variant type: single nucleotide variant.
Coding change: c.2903A>G on transcript NM_001142800.2 (MANE Select); coding-DNA position 2903, A replaced by G.
Protein change: p.Asn968Ser; replaces asparagine 968 with serine.
Molecular consequence: missense variant.
Genome position (GRCh38, 1-based): chr6:64,886,786, T>C on the plus strand (A>G on the coding strand, the complement: EYS is on the minus strand). VCF-style: chr6-64886786-T-C. GRCh37 (hg19) VCF-style: chr6-65596679-T-C.
Other names: c.2903A>G, p.Asn968Ser (NM_001292009.2); short protein forms N968S.
Identifiers: ClinVar variation 968035 (VCV000968035.7), dbSNP rs535658960, ClinGen allele CA3877237.